The following is an entry in ClinVar:

ClinVar aggregate classification (germline): Benign/Likely benign. Review status: criteria provided, multiple submitters, no conflicts (2 of 4 stars). 6 submissions from 6 submitters: Benign (3); Likely benign (1). 2 of the submissions do not count toward it. Last evaluated 2026-01-16.

Conditions:
Catecholaminergic polymorphic ventricular tachycardia 1. Also called: RYR2-Related Catecholaminergic Polymorphic Ventricular Tachycardia; VENTRICULAR TACHYCARDIA, CATECHOLAMINERGIC POLYMORPHIC, 1, WITH OR WITHOUT ATRIAL DYSFUNCTION AND/OR DILATED CARDIOMYOPATHY; VENTRICULAR TACHYCARDIA, STRESS-INDUCED POLYMORPHIC 1. Identifiers: Orphanet 3286, MedGen C1631597, MONDO:0011484, OMIM 604772.

Allele frequency attached by ClinVar (database versions not stated): gnomAD exomes 0.00011 and 0.00023; gnomAD 0.00012; TOPMed 0.00013; ExAC 0.00028; ESP Exome Variant Server 0.00034.

Submissions (6):

Labcorp Genetics (formerly Invitae), Labcorp
Classification: Benign for Catecholaminergic polymorphic ventricular tachycardia 1. Last evaluated: 2026-01-16. Review status: criteria provided, single submitter. Criteria: Invitae Variant Classification Sherloc (09022015). Collection method: clinical testing. Allele origin: germline.

Blueprint Genetics
Classification: Likely benign. Last evaluated: 2024-10-07. Review status: criteria provided, single submitter. Criteria: ACMG Guidelines, 2015. Collection method: clinical testing. Allele origin: germline.

Women's Health and Genetics/Laboratory Corporation of America, LabCorp
Classification: Benign. Last evaluated: 2020-08-24. Review status: criteria provided, single submitter. Criteria: LabCorp Variant Classification Summary - May 2015. Collection method: clinical testing. Allele origin: germline.
Comment: Variant summary: RYR2 c.7824+20G>A alters a non-conserved nucleotide located close to a canonical splice site and therefore could affect mRNA splicing, leading to a significantly altered protein sequence. 4/4 computational tools predict no significant impact on normal splicing. However, these predictions have yet to be confirmed by functional studies. The variant allele was found at a frequency of 0.00023 in 162556 control chromosomes. The observed variant frequency is approximately 6.8-fold the estimated maximal expected allele frequency for a pathogenic variant in RYR2 causing Catecholaminergic Polymorphic Ventricular Tachycardia phenotype (3.4e-05), strongly suggesting that the variant is benign. To our knowledge, no occurrence of c.7824+20G>A in individuals affected with Catecholaminergic Polymorphic Ventricular Tachycardia and no experimental evidence demonstrating its impact on protein function have been reported. One clinical diagnostic laboratory has submitted clinical-significance assessments for this variant to ClinVar after 2014 without evidence for independent evaluation, citing the variant as benign. Based on the evidence outlined above, the variant was classified as benign.

GeneDx
Classification: Benign. Last evaluated: 2016-07-21. Review status: criteria provided, single submitter. Criteria: GeneDx Variant Classification (06012015). Collection method: clinical testing. Allele origin: germline. Affected: yes.
Comment: This variant is considered likely benign or benign based on one or more of the following criteria: it is a conservative change, it occurs at a poorly conserved position in the protein, it is predicted to be benign by multiple in silico algorithms, and/or has population frequency not consistent with disease.

Clinical Genetics, Academic Medical Center
Classification: Benign. Review status: no assertion criteria provided. Collection method: clinical testing. Allele origin: germline. Affected: yes. Study: VKGL Data-share Consensus. Not counted in ClinVar's aggregate classification.

Diagnostic Laboratory, Department of Genetics, University Medical Center Groningen
Classification: Likely benign. Review status: no assertion criteria provided. Collection method: clinical testing. Allele origin: germline. Affected: yes. Study: VKGL Data-share Consensus. Not counted in ClinVar's aggregate classification.

NM_001035.3(RYR2):c.7824+20G>A

Gene: RYR2 (ryanodine receptor 2; plus strand). Cytogenetic location: 1q43.
Variant type: single nucleotide variant.
Coding change: c.7824+20G>A on transcript NM_001035.3 (MANE Select); 20 bases into the intron after coding-DNA position 7824, G replaced by A.
Molecular consequence: intron variant.
Genome position (GRCh38, 1-based): chr1:237,651,521, G>A. VCF-style: chr1-237651521-G-A. GRCh37 (hg19) VCF-style: chr1-237814821-G-A.
Other names: c.7824+20G>A (LRG_402t1).
Identifiers: ClinVar variation 378490 (VCV000378490.15), dbSNP rs373240466, ClinGen allele CA087503.